The following is an entry in ClinVar:

NM_001378120.1(MBD5):c.788C>G (p.Ser263Cys)

Gene: MBD5 (methyl-CpG binding domain protein 5; plus strand). Cytogenetic location: 2q23.1.
Variant type: single nucleotide variant.
Coding change: c.788C>G on transcript NM_001378120.1 (MANE Select); coding-DNA position 788, C replaced by G.
Protein change: p.Ser263Cys; replaces serine 263 with cysteine.
Molecular consequence: missense variant.
Genome position (GRCh38, 1-based): chr2:148,468,731, C>G. VCF-style: chr2-148468731-C-G. GRCh37 (hg19) VCF-style: chr2-149226300-C-G.
Other names: c.788C>G, p.Ser263Cys (NM_018328.5); short protein forms S263C.
Identifiers: ClinVar variation 2853662 (VCV002853662.3), dbSNP rs2469857757, ClinGen allele CA348717725.

ClinVar aggregate classification (germline): Uncertain significance (1 of 4 stars; one submission).

Conditions:
Intellectual developmental disorder, autosomal dominant 1. Also called: MBD5 Haploinsufficiency; Intellectual disability, autosomal dominant 1. Identifiers: Orphanet 228402, MedGen C1969562, MONDO:0007974, OMIM 156200.

Allele frequency attached by ClinVar (database versions not stated): gnomAD exomes below 0.00001.
gnomAD v4.1: 1 of 1,613,956 alleles (0.000062%); highest among the groups gnomAD compares: Non-Finnish European, 0.000085%; no homozygotes.

Submission:

Labcorp Genetics (formerly Invitae), Labcorp
Classification: Uncertain significance for Intellectual developmental disorder, autosomal dominant 1. Last evaluated: 2023-10-03. Review status: criteria provided, single submitter. Criteria: Invitae Variant Classification Sherloc (09022015). Collection method: clinical testing. Allele origin: germline.
Comment: This sequence change replaces serine, which is neutral and polar, with cysteine, which is neutral and slightly polar, at codon 263 of the MBD5 protein (p.Ser263Cys). This variant is not present in population databases (gnomAD no frequency). This variant has not been reported in the literature in individuals affected with MBD5-related conditions. Advanced modeling of protein sequence and biophysical properties (such as structural, functional, and spatial information, amino acid conservation, physicochemical variation, residue mobility, and thermodynamic stability) performed at Invitae indicates that this missense variant is not expected to disrupt MBD5 protein function. In summary, the available evidence is currently insufficient to determine the role of this variant in disease. Therefore, it has been classified as a Variant of Uncertain Significance.